The following is an entry in ClinVar:

ClinVar aggregate classification (germline): Uncertain significance (1 of 4 stars; one submission).

Conditions:
Amyotrophic lateral sclerosis type 21. Also called: MYOPATHY, DISTAL, 2; VOCAL CORD AND PHARYNGEAL DYSFUNCTION WITH DISTAL MYOPATHY. Identifiers: Orphanet 600, Orphanet 803, MedGen C3807521, MONDO:0011632, OMIM 606070.

Submission:

Labcorp Genetics (formerly Invitae), Labcorp
Classification: Uncertain significance for Amyotrophic lateral sclerosis type 21. Last evaluated: 2023-09-05. Review status: criteria provided, single submitter. Criteria: Invitae Variant Classification Sherloc (09022015). Collection method: clinical testing. Allele origin: germline.
Comment: This variant has not been reported in the literature in individuals affected with MATR3-related conditions. In summary, the available evidence is currently insufficient to determine the role of this variant in disease. Therefore, it has been classified as a Variant of Uncertain Significance. Advanced modeling of protein sequence and biophysical properties (such as structural, functional, and spatial information, amino acid conservation, physicochemical variation, residue mobility, and thermodynamic stability) performed at Invitae indicates that this missense variant is not expected to disrupt MATR3 protein function. This variant is not present in population databases (gnomAD no frequency). This sequence change replaces aspartic acid, which is acidic and polar, with glycine, which is neutral and non-polar, at codon 642 of the MATR3 protein (p.Asp642Gly).

NM_018834.6(MATR3):c.1925A>G (p.Asp642Gly)

Genes: MATR3 (matrin 3; plus strand), LOC126807526 (CDK7 strongly-dependent group 2 enhancer GRCh37_chr5:138657767-138658966; plus strand). Cytogenetic location: 5q31.2.
Variant type: single nucleotide variant.
Coding change: c.1925A>G on transcript NM_018834.6 (MANE Select); coding-DNA position 1925, A replaced by G.
Protein change: p.Asp642Gly; replaces aspartic acid 642 with glycine.
Molecular consequence: missense variant.
Genome position (GRCh38, 1-based): chr5:139,322,744, A>G. VCF-style: chr5-139322744-A-G. GRCh37 (hg19) VCF-style: chr5-138658433-A-G.
Other names: c.1925A>G, p.Asp642Gly (NM_001400456.1, NM_001400457.1, NM_001400455.1 and 16 more transcripts); c.1025A>G, p.Asp342Gly (NM_001400461.1); c.911A>G, p.Asp304Gly (NM_001400462.1, NM_001400460.1, NM_001282278.2 and 5 more transcripts); c.1064A>G, p.Asp355Gly (NM_001400459.1); c.1061A>G, p.Asp354Gly (NM_001194956.2); short protein forms D304G, D355G, D342G, D354G, D642G.
Identifiers: ClinVar variation 2755131 (VCV002755131.3), dbSNP rs2546863471, ClinGen allele CA361143883.